The following is an entry in ClinVar:

ClinVar aggregate classification (germline): Conflicting classifications of pathogenicity. Review status: criteria provided, conflicting classifications (1 of 4 stars). 3 submissions from 3 submitters: Likely pathogenic (1); Uncertain significance (1). 1 of the submissions does not count toward it. Last evaluated 2023-04-28.

Conditions:
Hereditary diffuse gastric adenocarcinoma (HDGC). Also called: DIFFUSE GASTRIC AND LOBULAR BREAST CANCER SYNDROME. Identifiers: Orphanet 26106, MedGen C1708349, MONDO:0007648, OMIM 137215.
Blepharocheilodontic syndrome 1 (BCDS1). Identifiers: Orphanet 1997, MedGen C4551988, MONDO:0054740, OMIM 119580.

Submissions (3):

Labcorp Genetics (formerly Invitae), Labcorp
Classification: Uncertain significance for Hereditary diffuse gastric adenocarcinoma. Last evaluated: 2023-04-28. Review status: criteria provided, single submitter. Criteria: Invitae Variant Classification Sherloc (09022015). Collection method: clinical testing. Allele origin: germline.
Comment: In summary, the available evidence is currently insufficient to determine the role of this variant in disease. Therefore, it has been classified as a Variant of Uncertain Significance. An algorithm developed to predict the effect of missense changes on protein structure and function (PolyPhen-2) suggests that this variant is likely to be disruptive. ClinVar contains an entry for this variant (Variation ID: 979048). This missense change has been observed in individual(s) with cleft lip and/or cleft palate (PMID: 32260281). This variant is not present in population databases (gnomAD no frequency). This sequence change replaces aspartic acid, which is acidic and polar, with asparagine, which is neutral and polar, at codon 400 of the CDH1 protein (p.Asp400Asn).

Department of Prosthodontics, Peking University School and Hospital of Stomatology
Classification: Likely pathogenic for Blepharocheilodontic syndrome 1. Last evaluated: 2021-12-16. Review status: criteria provided, single submitter. Criteria: ACMG Guidelines, 2015. Collection method: research. Allele origin: maternal. Inheritance: Autosomal dominant inheritance. Affected: yes. Observed: 1 heterozygote.

University of Washington Center for Mendelian Genomics, University of Washington
Classification: Uncertain significance for Blepharocheilodontic syndrome 1. Review status: no assertion criteria provided. Collection method: research. Allele origin: unknown. Affected: yes. Not counted in ClinVar's aggregate classification.

Literature cited by the submitters: PubMed 32260281 (cited by Labcorp Genetics (formerly Invitae), Labcorp and University of Washington Center for Mendelian Genomics, University of Washington).

NM_004360.5(CDH1):c.1198G>A (p.Asp400Asn)

Gene: CDH1 (cadherin 1; plus strand). Cytogenetic location: 16q22.1.
Variant type: single nucleotide variant.
Coding change: c.1198G>A on transcript NM_004360.5 (MANE Select); coding-DNA position 1198, G replaced by A.
Protein change: p.Asp400Asn; replaces aspartic acid 400 with asparagine.
Molecular consequence: missense variant. On other transcripts: 5 prime UTR variant (2), intron variant (1).
Genome position (GRCh38, 1-based): chr16:68,813,373, G>A. VCF-style: chr16-68813373-G-A. GRCh37 (hg19) VCF-style: chr16-68847276-G-A.
Other names: c.-418G>A (NM_001317185.2); c.-622G>A (NM_001317186.2); c.1137+1110G>A (NM_001317184.2); short protein forms D400N.
Identifiers: ClinVar variation 979048 (VCV000979048.8), dbSNP rs1960893142, ClinGen allele CA396461272.